The following is an entry in ClinVar:

ClinVar aggregate classification (germline): Uncertain significance (1 of 4 stars; one submission).

Submission:

Labcorp Genetics (formerly Invitae), Labcorp
Classification: Uncertain significance. Last evaluated: 2024-10-27. Review status: criteria provided, single submitter. Criteria: Invitae Variant Classification Sherloc (09022015). Collection method: clinical testing. Allele origin: germline.
Comment: This sequence change replaces serine, which is neutral and polar, with cysteine, which is neutral and slightly polar, at codon 2188 of the SORL1 protein (p.Ser2188Cys). This variant is not present in population databases (gnomAD no frequency). This variant has not been reported in the literature in individuals affected with SORL1-related conditions. An algorithm developed to predict the effect of missense changes on protein structure and function (PolyPhen-2) suggests that this variant is likely to be disruptive. In summary, the available evidence is currently insufficient to determine the role of this variant in disease. Therefore, it has been classified as a Variant of Uncertain Significance.

NM_003105.6(SORL1):c.6563C>G (p.Ser2188Cys)

Gene: SORL1 (sortilin related receptor 1; plus strand). Cytogenetic location: 11q24.1.
Variant type: single nucleotide variant.
Coding change: c.6563C>G on transcript NM_003105.6 (MANE Select); coding-DNA position 6563, C replaced by G.
Protein change: p.Ser2188Cys; replaces serine 2188 with cysteine.
Molecular consequence: missense variant.
Genome position (GRCh38, 1-based): chr11:121,627,753, C>G. VCF-style: chr11-121627753-C-G. GRCh37 (hg19) VCF-style: chr11-121498462-C-G.
Other names: short protein forms S2188C.
Identifiers: ClinVar variation 3723878 (VCV003723878.2).